The following is an entry in ClinVar:

ClinVar aggregate classification (germline): Pathogenic (1 of 4 stars; one submission).

Submission:

Labcorp Genetics (formerly Invitae), Labcorp
Classification: Pathogenic. Last evaluated: 2024-01-19. Review status: criteria provided, single submitter. Criteria: Invitae Variant Classification Sherloc (09022015). Collection method: clinical testing. Allele origin: germline.
Comment: This sequence change creates a premature translational stop signal (p.Ser857Glnfs*25) in the PDZD7 gene. It is expected to result in an absent or disrupted protein product. Loss-of-function variants in PDZD7 are known to be pathogenic (PMID: 20440071). This variant is not present in population databases (gnomAD no frequency). This variant has not been reported in the literature in individuals affected with PDZD7-related conditions. ClinVar contains an entry for this variant (Variation ID: 1453154). For these reasons, this variant has been classified as Pathogenic.

Literature cited by the submitters: PubMed 20440071.

NM_001195263.2(PDZD7):c.2568dup (p.Ser857fs)

Gene: PDZD7 (PDZ domain containing 7; minus strand). Cytogenetic location: 10q24.31.
Variant type: Duplication.
Coding change: c.2568dup on transcript NM_001195263.2 (MANE Select); coding-DNA position 2568, one base duplicated (C; older notation c.2568dupC).
Protein change: p.Ser857fs; shifts the reading frame from serine 857.
Molecular consequence: frameshift variant.
Genome position (GRCh38, 1-based): chr10:101,010,321, G duplicated on the plus strand (C on the coding strand, the reverse complement: PDZD7 is on the minus strand); the first of 4 consecutive G bases (chr10:101,010,321-101,010,324); duplicating any one gives the same sequence. VCF-style (leftmost placement, unchanged base first): chr10-101010320-T-TG. GRCh37 (hg19) VCF-style: chr10-102770077-T-TG.
Other names: short protein forms S857fs.
Identifiers: ClinVar variation 1453154 (VCV001453154.6), dbSNP rs1465567484, ClinGen allele CA658922723.